The following is an entry in ClinVar:

ClinVar aggregate classification (germline): Uncertain significance (1 of 4 stars; one submission).

Allele frequency attached by ClinVar (database versions not stated): gnomAD exomes below 0.00001.

Submission:

Labcorp Genetics (formerly Invitae), Labcorp
Classification: Uncertain significance. Last evaluated: 2022-10-07. Review status: criteria provided, single submitter. Criteria: Invitae Variant Classification Sherloc (09022015). Collection method: clinical testing. Allele origin: germline.
Comment: This sequence change creates a premature translational stop signal (p.Trp1847*) in the TET2 gene. While this is not anticipated to result in nonsense mediated decay, it is expected to disrupt the last 156 amino acid(s) of the TET2 protein. This variant is not present in population databases (gnomAD no frequency). This variant has not been reported in the literature in individuals affected with TET2-related conditions. Experimental studies and prediction algorithms are not available or were not evaluated, and the functional significance of this variant is currently unknown. In summary, the available evidence is currently insufficient to determine the role of this variant in disease. Therefore, it has been classified as a Variant of Uncertain Significance.

NM_001127208.3(TET2):c.5540G>A (p.Trp1847Ter)

Genes: TET2 (tet methylcytosine dioxygenase 2; plus strand), TET2-AS1 (TET2 antisense RNA 1; minus strand). Cytogenetic location: 4q24.
Variant type: single nucleotide variant.
Coding change: c.5540G>A on transcript NM_001127208.3 (MANE Select); coding-DNA position 5540, G replaced by A.
Protein change: p.Trp1847Ter; replaces tryptophan 1847 with a stop codon.
Molecular consequence: nonsense.
Genome position (GRCh38, 1-based): chr4:105,276,050, G>A. VCF-style: chr4-105276050-G-A. GRCh37 (hg19) VCF-style: chr4-106197207-G-A.
Other names: short protein forms W1847*.
Identifiers: ClinVar variation 1944814 (VCV001944814.5), dbSNP rs1206205493, ClinGen allele CA357795476.